The following is an entry in ClinVar:

ClinVar aggregate classification (germline): Uncertain significance (1 of 4 stars; one submission).

Conditions:
Cardiovascular phenotype. Identifiers: MedGen CN230736.

Submission:

Ambry Genetics
Classification: Uncertain significance for Cardiovascular phenotype. Last evaluated: 2024-12-09. Review status: criteria provided, single submitter. Criteria: Ambry Variant Classification Scheme 2023. Collection method: clinical testing. Allele origin: germline.
Comment: The p.G1282V variant (also known as c.3845G>T), located in coding exon 13 of the AKAP9 gene, results from a G to T substitution at nucleotide position 3845. The glycine at codon 1282 is replaced by valine, an amino acid with dissimilar properties. This amino acid position is conserved. In addition, this alteration is predicted to be tolerated by in silico analysis. Based on the available evidence, the clinical significance of this variant remains unclear.

NM_005751.5(AKAP9):c.3845G>T (p.Gly1282Val)

Gene: AKAP9 (A-kinase anchoring protein 9; plus strand). Cytogenetic location: 7q21.2.
Variant type: single nucleotide variant.
Coding change: c.3845G>T on transcript NM_005751.5 (MANE Select); coding-DNA position 3845, G replaced by T.
Protein change: p.Gly1282Val; replaces glycine 1282 with valine.
Molecular consequence: missense variant.
Genome position (GRCh38, 1-based): chr7:92,022,245, G>T. VCF-style: chr7-92022245-G-T. GRCh37 (hg19) VCF-style: chr7-91651559-G-T.
Other names: c.3845G>T, p.Gly1282Val (NM_147185.3); short protein forms G1282V.
Identifiers: ClinVar variation 3517448 (VCV003517448.1).